The following is an entry in ClinVar:

ClinVar aggregate classification (germline): Benign/Likely benign. Review status: criteria provided, multiple submitters, no conflicts (2 of 4 stars). 12 submissions from 12 submitters: Benign (4); Likely benign (5). 3 of the submissions do not count toward it. Last evaluated 2026-08-01.

Conditions:
Cardiovascular phenotype. Identifiers: MedGen CN230736.
Catecholaminergic polymorphic ventricular tachycardia (CVPT). Also called: Catecholamine-induced polymorphic ventricular tachycardia. Identifiers: Orphanet 3286, MedGen C5574922, MONDO:0017990.
Catecholaminergic polymorphic ventricular tachycardia 1. Also called: RYR2-Related Catecholaminergic Polymorphic Ventricular Tachycardia; VENTRICULAR TACHYCARDIA, STRESS-INDUCED POLYMORPHIC 1; VENTRICULAR TACHYCARDIA, CATECHOLAMINERGIC POLYMORPHIC, 1, WITH OR WITHOUT ATRIAL DYSFUNCTION AND/OR DILATED CARDIOMYOPATHY. Identifiers: Orphanet 3286, MedGen C1631597, MONDO:0011484, OMIM 604772.
RYR2-related disorder. Also called: RYR2-related condition.
Cardiomyopathy (CMYO). Also called: Cardiomyopathies. Identifiers: Orphanet 167848, MedGen C0878544, MONDO:0004994, HP:0001638. Inheritance: Various modes of inheritance.

Allele frequency attached by ClinVar (database versions not stated): gnomAD exomes 0.00007 and 0.00022; ExAC 0.00030; gnomAD 0.00063 and 0.00066; TOPMed 0.00082; ESP Exome Variant Server 0.00108; 1000 Genomes Project 30x 0.00187; 1000 Genomes Project 0.00240.
gnomAD v4.1: 211 of 1,611,322 alleles (0.013%); highest among the groups gnomAD compares: African/African-American, 0.23%; no homozygotes.

Submissions (12):

CeGaT Center for Human Genetics Tuebingen
Classification: Likely benign. Last evaluated: 2026-08-01. Review status: criteria provided, single submitter. Criteria: CeGaT Center For Human Genetics Tuebingen Variant Classification Criteria Version 2. Collection method: clinical testing. Allele origin: germline. Affected: yes. Observed: 3 variant alleles.
Comment: RYR2: BP4, BP7, BS1

Labcorp Genetics (formerly Invitae), Labcorp
Classification: Benign for Catecholaminergic polymorphic ventricular tachycardia 1. Last evaluated: 2026-02-01. Review status: criteria provided, single submitter. Criteria: Invitae Variant Classification Sherloc (09022015). Collection method: clinical testing. Allele origin: germline.

ARUP Laboratories, Molecular Genetics and Genomics, ARUP Laboratories
Classification: Likely benign. Last evaluated: 2025-05-20. Review status: criteria provided, single submitter. Criteria: ARUP Molecular Germline Variant Investigation Process 2024. Collection method: clinical testing. Allele origin: germline.

Molecular Diagnostic Laboratory for Inherited Cardiovascular Disease, Montreal Heart Institute
Classification: Benign. Last evaluated: 2025-04-09. Review status: criteria provided, single submitter. Criteria: ACMG Guidelines, 2015. Collection method: clinical testing. Allele origin: germline. Affected: no.
Comment: BS1;BP6;BP7

Blueprint Genetics
Classification: Likely benign. Last evaluated: 2024-07-15. Review status: criteria provided, single submitter. Criteria: ACMG Guidelines, 2015. Collection method: clinical testing. Allele origin: germline.

All of Us Research Program, National Institutes of Health
Classification: Benign for Catecholaminergic polymorphic ventricular tachycardia. Last evaluated: 2024-02-05. Review status: criteria provided, single submitter. Criteria: ACMG Guidelines, 2015. Collection method: clinical testing. Allele origin: germline. Inheritance: Autosomal dominant inheritance. Observed: 53 variant alleles, 53 heterozygotes.
Comment: This study involves interpretation of variants in research participants for the purpose of population health screening. Participant phenotype was not available at the time of variant classification. Additional details can be found in publication PMID: 35346344, PMCID: PMC8962531

GeneDx
Classification: Likely benign. Last evaluated: 2019-08-12. Review status: criteria provided, single submitter. Criteria: GeneDx Variant Classification Process June 2021. Collection method: clinical testing. Allele origin: germline. Affected: yes.

Ambry Genetics
Classification: Likely benign for Cardiovascular phenotype. Last evaluated: 2018-09-29. Review status: criteria provided, single submitter. Criteria: Ambry Variant Classification Scheme 2023. Collection method: clinical testing. Allele origin: germline.

Color Diagnostics, LLC DBA Color Health
Classification: Benign for Cardiomyopathy. Last evaluated: 2018-04-28. Review status: criteria provided, single submitter. Criteria: ACMG Guidelines, 2015. Collection method: clinical testing. Allele origin: germline.

PreventionGenetics, part of Exact Sciences
Classification: Likely benign for RYR2-related condition. Last evaluated: 2019-10-28. Review status: no assertion criteria provided. Collection method: clinical testing. Allele origin: germline. Not counted in ClinVar's aggregate classification.
Comment: This variant is classified as likely benign based on ACMG/AMP sequence variant interpretation guidelines (Richards et al. 2015 PMID: 25741868, with internal and published modifications).

Genome Diagnostics Laboratory, University Medical Center Utrecht
Classification: Likely benign. Review status: no assertion criteria provided. Collection method: clinical testing. Allele origin: germline. Affected: yes. Study: VKGL Data-share Consensus. Not counted in ClinVar's aggregate classification.

Joint Genome Diagnostic Labs from Nijmegen and Maastricht, Radboudumc and MUMC+
Classification: Likely benign. Review status: no assertion criteria provided. Collection method: clinical testing. Allele origin: germline. Affected: yes. Study: VKGL Data-share Consensus. Not counted in ClinVar's aggregate classification.

NM_001035.3(RYR2):c.1110A>G (p.Leu370=)

Gene: RYR2 (ryanodine receptor 2; plus strand). Cytogenetic location: 1q43.
Variant type: single nucleotide variant.
Coding change: c.1110A>G on transcript NM_001035.3 (MANE Select); coding-DNA position 1110, A replaced by G.
Protein change: p.Leu370=; no amino-acid change (leucine 370 retained).
Molecular consequence: synonymous variant.
Genome position (GRCh38, 1-based): chr1:237,441,423, A>G. VCF-style: chr1-237441423-A-G. GRCh37 (hg19) VCF-style: chr1-237604723-A-G.
Other names: c.1110A>G, p.Leu370= (LRG_402t1).
Identifiers: ClinVar variation 378484 (VCV000378484.34), dbSNP rs150705689, ClinGen allele CA084735.